The following is an entry in ClinVar:

ClinVar aggregate classification (germline): Uncertain significance (1 of 4 stars; one submission).

Conditions:
Ataxia-telangiectasia syndrome (AT). Also called: ATAXIA-TELANGIECTASIA, COMPLEMENTATION GROUP A; ATAXIA-TELANGIECTASIA, FRESNO VARIANT; Ataxia-telangiectasia, complementation group E; Ataxia telangiectasia (A-T); LOUIS-BAR SYNDROME; Cerebello-oculocutaneous telangiectasia. Identifiers: Orphanet 100, MedGen C0004135, MONDO:0008840, OMIM 208900.

Submission:

Labcorp Genetics (formerly Invitae), Labcorp
Classification: Uncertain significance for Ataxia-telangiectasia syndrome. Last evaluated: 2019-12-13. Review status: criteria provided, single submitter. Criteria: Invitae Variant Classification Sherloc (09022015). Collection method: clinical testing. Allele origin: germline.
Comment: This variant results in a copy number gain of the genomic region encompassing the full coding sequence of the ATM gene. The boundaries of this event are unknown as they extend beyond the assayed region for this gene and therefore may encompass additional genes. As the precise location of this event is unknown, it may be in tandem or it may be located elsewhere in the genome. This variant has not been reported in the literature in individuals with ATM-related conditions. Experimental studies and prediction algorithms are not available or were not evaluated, and the functional significance of this variant is currently unknown. In summary, the available evidence is currently insufficient to determine the role of this variant in disease. Therefore, it has been classified as a Variant of Uncertain Significance.

NC_000011.10:g.(?_108121587)_(108365528_?)dup

Genes: NPAT (nuclear protein, coactivator of histone transcription; minus strand), ACAT1 (acetyl-CoA acetyltransferase 1; plus strand), ATM (ATM serine/threonine kinase; plus strand). Cytogenetic location: 11q22.3.
Variant type: Duplication.
Identifiers: ClinVar variation 830635 (VCV000830635.1).